The following is an entry in ClinVar:

NM_001171613.2(PREPL):c.-49+1761T>G

Gene: PREPL (prolyl endopeptidase like; minus strand). Cytogenetic location: 2p21.
Variant type: single nucleotide variant.
Coding change: c.-49+1761T>G on transcript NM_001171613.2 (MANE Select); 1761 bases into the intron after 49 bases upstream of the start codon, T replaced by G.
Molecular consequence: intron variant. On other transcripts: missense variant (7).
Genome position (GRCh38, 1-based): chr2:44,359,619, A>C on the plus strand (T>G on the coding strand, the complement: PREPL is on the minus strand). VCF-style: chr2-44359619-A-C. GRCh37 (hg19) VCF-style: chr2-44586758-A-C.
Other names: c.97T>G, p.Phe33Val (NM_001042385.2, NM_001042386.2, NM_001171603.1 and 4 more transcripts); c.-49+1905T>G (NM_001171617.1); c.-49+1798T>G (NM_001374277.1); short protein forms F33V.
Identifiers: ClinVar variation 2196474 (VCV002196474.4), dbSNP rs1677443353, ClinGen allele CA346694992.

ClinVar aggregate classification (germline): Uncertain significance (1 of 4 stars; one submission).

Conditions:
Myasthenic syndrome, congenital, 22 (CMS22). Also called: PREPL DEFICIENCY. Identifiers: MedGen C4479088, MONDO:0044299, OMIM 616224.

Allele frequency attached by ClinVar (database versions not stated): TOPMed below 0.00001.

Submission:

Labcorp Genetics (formerly Invitae), Labcorp
Classification: Uncertain significance for Myasthenic syndrome, congenital, 22. Last evaluated: 2023-12-07. Review status: criteria provided, single submitter. Criteria: Invitae Variant Classification Sherloc (09022015). Collection method: clinical testing. Allele origin: germline.
Comment: This sequence change replaces phenylalanine, which is neutral and non-polar, with valine, which is neutral and non-polar, at codon 33 of the PREPL protein (p.Phe33Val). This variant is not present in population databases (gnomAD no frequency). This variant has not been reported in the literature in individuals affected with PREPL-related conditions. ClinVar contains an entry for this variant (Variation ID: 2196474). Algorithms developed to predict the effect of missense changes on protein structure and function output the following: SIFT: "Not Available"; PolyPhen-2: "Benign"; Align-GVGD: "Not Available". The valine amino acid residue is found in multiple mammalian species, which suggests that this missense change does not adversely affect protein function. In summary, the available evidence is currently insufficient to determine the role of this variant in disease. Therefore, it has been classified as a Variant of Uncertain Significance.